The following is an entry in ClinVar:

NM_007348.4(ATF6):c.289T>C (p.Ser97Pro)

Gene: ATF6 (activating transcription factor 6; plus strand). Cytogenetic location: 1q23.3.
Variant type: single nucleotide variant.
Coding change: c.289T>C on transcript NM_007348.4 (MANE Select); coding-DNA position 289, T replaced by C.
Protein change: p.Ser97Pro; replaces serine 97 with proline.
Molecular consequence: missense variant.
Genome position (GRCh38, 1-based): chr1:161,784,031, T>C. VCF-style: chr1-161784031-T-C. GRCh37 (hg19) VCF-style: chr1-161753821-T-C.
Other names: short protein forms S97P.
Identifiers: ClinVar variation 966916 (VCV000966916.6), dbSNP rs1684692967, ClinGen allele CA343385256.

ClinVar aggregate classification (germline): Uncertain significance (1 of 4 stars; one submission).

Submission:

Labcorp Genetics (formerly Invitae), Labcorp
Classification: Uncertain significance. Last evaluated: 2022-01-13. Review status: criteria provided, single submitter. Criteria: Invitae Variant Classification Sherloc (09022015). Collection method: clinical testing. Allele origin: germline.
Comment: ClinVar contains an entry for this variant (Variation ID: 966916). This variant has not been reported in the literature in individuals affected with ATF6-related conditions. This variant is not present in population databases (gnomAD no frequency). This sequence change replaces serine, which is neutral and polar, with proline, which is neutral and non-polar, at codon 97 of the ATF6 protein (p.Ser97Pro). Algorithms developed to predict the effect of missense changes on protein structure and function (SIFT, PolyPhen-2, Align-GVGD) all suggest that this variant is likely to be tolerated. In summary, the available evidence is currently insufficient to determine the role of this variant in disease. Therefore, it has been classified as a Variant of Uncertain Significance.